The following is an entry in ClinVar:

ClinVar aggregate classification (germline): Conflicting classifications of pathogenicity. Review status: criteria provided, conflicting classifications (1 of 4 stars). 2 submissions from 2 submitters: Uncertain significance (1); Likely benign (1). Last evaluated 2022-06-24.

Conditions:
Inborn genetic diseases. Identifiers: MedGen C0950123, MeSH D030342.

Allele frequency attached by ClinVar (database versions not stated): ExAC 0.00009; gnomAD 0.00022; ESP Exome Variant Server 0.00015; TOPMed 0.00027.

Submissions (2):

Ambry Genetics
Classification: Likely benign for Inborn genetic diseases. Last evaluated: 2022-06-24. Review status: criteria provided, single submitter. Criteria: Ambry Variant Classification Scheme 2023. Collection method: clinical testing. Allele origin: germline.

Labcorp Genetics (formerly Invitae), Labcorp
Classification: Uncertain significance. Last evaluated: 2022-03-14. Review status: criteria provided, single submitter. Criteria: Invitae Variant Classification Sherloc (09022015). Collection method: clinical testing. Allele origin: germline.
Comment: This sequence change replaces valine, which is neutral and non-polar, with isoleucine, which is neutral and non-polar, at codon 229 of the CIT protein (p.Val229Ile). This variant is present in population databases (rs201947776, gnomAD 0.06%). This variant has not been reported in the literature in individuals affected with CIT-related conditions. Algorithms developed to predict the effect of missense changes on protein structure and function output the following: SIFT: "Tolerated"; PolyPhen-2: "Benign"; Align-GVGD: "Class C0". The isoleucine amino acid residue is found in multiple mammalian species, which suggests that this missense change does not adversely affect protein function. In summary, the available evidence is currently insufficient to determine the role of this variant in disease. Therefore, it has been classified as a Variant of Uncertain Significance.

NM_001206999.2(CIT):c.685G>A (p.Val229Ile)

Gene: CIT (citron rho-interacting serine/threonine kinase; minus strand). Cytogenetic location: 12q24.23.
Variant type: single nucleotide variant.
Coding change: c.685G>A on transcript NM_001206999.2 (MANE Select); coding-DNA position 685, G replaced by A.
Protein change: p.Val229Ile; replaces valine 229 with isoleucine.
Molecular consequence: missense variant.
Genome position (GRCh38, 1-based): chr12:119,832,839, C>T on the plus strand (G>A on the coding strand, the complement: CIT is on the minus strand). VCF-style: chr12-119832839-C-T. GRCh37 (hg19) VCF-style: chr12-120270643-C-T.
Other names: c.685G>A, p.Val229Ile (NM_007174.3); short protein forms V229I.
Identifiers: ClinVar variation 2076497 (VCV002076497.5), dbSNP rs201947776, ClinGen allele CA6822325.